The following is an entry in ClinVar:

NM_031483.7(ITCH):c.2256G>A (p.Trp752Ter)

Gene: ITCH (itchy E3 ubiquitin protein ligase; plus strand). Cytogenetic location: 20q11.22.
Variant type: single nucleotide variant.
Coding change: c.2256G>A on transcript NM_031483.7 (MANE Select); coding-DNA position 2256, G replaced by A.
Protein change: p.Trp752Ter; replaces tryptophan 752 with a stop codon.
Molecular consequence: nonsense.
Genome position (GRCh38, 1-based): chr20:34,489,863, G>A. VCF-style: chr20-34489863-G-A. GRCh37 (hg19) VCF-style: chr20-33077668-G-A.
Other names: c.2379G>A, p.Trp793Ter (NM_001257137.3, NM_001324197.2); c.1926G>A, p.Trp642Ter (NM_001257138.3); c.2256G>A, p.Trp752Ter (NM_001324198.2); short protein forms W642*, W752*, W793*.
Identifiers: ClinVar variation 1028416 (VCV001028416.1), dbSNP rs1568998827, ClinGen allele CA408672571.

ClinVar aggregate classification (germline): Pathogenic (1 of 4 stars; one submission).

Conditions:
Syndromic multisystem autoimmune disease due to ITCH deficiency. Also called: AUTOIMMUNE DISEASE, MULTISYSTEM, WITH FACIAL DYSMORPHISM. Identifiers: Orphanet 228426, MedGen C3150649, MONDO:0013245, OMIM 613385.

Submission:

Baylor Genetics
Classification: Pathogenic for Syndromic multisystem autoimmune disease due to ITCH deficiency. Last evaluated: 2020-05-05. Review status: criteria provided, single submitter. Criteria: ACMG Guidelines, 2015. Collection method: clinical testing. Allele origin: unknown. Affected: yes.
Comment: This variant was determined to be pathogenic according to ACMG Guidelines, 2015 [PMID:25741868].